The following is an entry in ClinVar:

ClinVar aggregate classification (germline): Pathogenic (1 of 4 stars; one submission).

Conditions:
Neurofibromatosis, type 1 (NF1). Also called: VON RECKLINGHAUSEN DISEASE; NEUROFIBROMATOSIS, TYPE I, SOMATIC; Peripheral type neurofibromatosis; Neurofibromatosis, type I. Identifiers: Orphanet 636, MedGen C0027831, MONDO:0018975, OMIM 162200. Disease mechanism: loss of function.

Submission:

Labcorp Genetics (formerly Invitae), Labcorp
Classification: Pathogenic for Neurofibromatosis, type 1. Last evaluated: 2018-08-04. Review status: criteria provided, single submitter. Criteria: Invitae Variant Classification Sherloc (09022015). Collection method: clinical testing. Allele origin: germline.
Comment: This variant is not present in population databases (ExAC no frequency). This variant has not been reported in the literature in individuals with NF1-related disease. Loss-of-function variants in NF1 are known to be pathogenic (PMID: 10712197, 23913538). For these reasons, this variant has been classified as Pathogenic. This sequence change creates a premature translational stop signal (p.Ser1889Tyrfs*2) in the NF1 gene. It is expected to result in an absent or disrupted protein product.

Literature cited by the submitters: PubMed 10712197; PubMed 23913538.

NM_001042492.3(NF1):c.5729_5730del (p.Ser1910fs)

Gene: NF1 (neurofibromin 1; plus strand). Cytogenetic location: 17q11.2.
Variant type: Microsatellite.
Coding change: c.5729_5730del on transcript NM_001042492.3 (MANE Select); coding-DNA positions 5729 to 5730, 2 bases deleted (CT; older notation c.5729_5730delCT).
Protein change: p.Ser1910fs; shifts the reading frame from serine 1910.
Molecular consequence: frameshift variant.
Genome position (GRCh38, 1-based): chr17:31,330,415-31,330,416, CT deleted; deleting any 2 consecutive bases within chr17:31,330,412-31,330,416 gives the same sequence; the c. name uses the placement nearest the transcript's 3' end. VCF-style (leftmost placement, unchanged base first): chr17-31330411-GTC-G. GRCh37 (hg19) VCF-style: chr17-29657429-GTC-G.
Other names: c.5666_5667delCT (NM_000267.3); c.5664_5665CT[1], p.Ser1889Tyrfs (NM_000267.4); short protein forms S1889fs, S1910fs.
Identifiers: ClinVar variation 656660 (VCV000656660.5), dbSNP rs1597834820, ClinGen allele CA915949856.